The following is an entry in ClinVar:

ClinVar aggregate classification (germline): Pathogenic (1 of 4 stars; one submission).

Conditions:
Tumor predisposition syndrome 3 (TPDS3). Also called: Melanoma, cutaneous malignant, susceptibility to, 10; LONG TELOMERE SYNDROME, POT1-RELATED; POT1 Tumor Predisposition; Glioma susceptibility 9. Identifiers: Orphanet 618, MedGen C4014476, MONDO:0014368, OMIM 615848.

Submission:

Labcorp Genetics (formerly Invitae), Labcorp
Classification: Pathogenic for Tumor predisposition syndrome 3. Last evaluated: 2021-07-23. Review status: criteria provided, single submitter. Criteria: Invitae Variant Classification Sherloc (09022015). Collection method: clinical testing. Allele origin: germline.
Comment: For these reasons, this variant has been classified as Pathogenic. This premature translational stop signal has been observed in individual(s) with colon cancer (PMID: 27329137). This sequence change creates a premature translational stop signal (p.Asn75Lysfs*16) in the POT1 gene. It is expected to result in an absent or disrupted protein product. Loss-of-function variants in POT1 are known to be pathogenic (PMID: 32155570). This variant is not present in population databases (ExAC no frequency).

Literature cited by the submitters: PubMed 27329137; PubMed 32155570.

NM_015450.3(POT1):c.224dup (p.Asn75fs)

Gene: POT1 (protection of telomeres 1; minus strand). Cytogenetic location: 7q31.33.
Variant type: Duplication.
Coding change: c.224dup on transcript NM_015450.3 (MANE Select); coding-DNA position 224, one base duplicated (A; older notation c.224dupA).
Protein change: p.Asn75fs; shifts the reading frame from asparagine 75.
Molecular consequence: frameshift variant. On other transcripts: non-coding transcript variant (3), intron variant (1).
Genome position (GRCh38, 1-based): chr7:124,870,942, T duplicated on the plus strand (A on the coding strand, the reverse complement: POT1 is on the minus strand); the first of 5 consecutive T bases (chr7:124,870,942-124,870,946); duplicating any one gives the same sequence. VCF-style (leftmost placement, unchanged base first): chr7-124870941-A-AT. GRCh37 (hg19) VCF-style: chr7-124510995-A-AT.
Other names: c.-138-7302dup (NM_001042594.2); short protein forms N75fs.
Identifiers: ClinVar variation 1459282 (VCV001459282.6), dbSNP rs2116567355, ClinGen allele CA2573141687.